The following is an entry in ClinVar:

NM_001374385.1(ATP8B1):c.2763G>A (p.Ser921=)

Genes: ATP8B1 (ATPase phospholipid transporting 8B1; minus strand), ATP8B1-AS1 (ATP8B1 antisense RNA 1; plus strand). Cytogenetic location: 18q21.31.
Variant type: single nucleotide variant.
Coding change: c.2763G>A on transcript NM_001374385.1 (MANE Select); coding-DNA position 2763, G replaced by A.
Protein change: p.Ser921=; no amino-acid change (serine 921 retained).
Molecular consequence: synonymous variant.
Genome position (GRCh38, 1-based): chr18:57,655,362, C>T on the plus strand (G>A on the coding strand, the complement: ATP8B1 is on the minus strand). VCF-style: chr18-57655362-C-T. GRCh37 (hg19) VCF-style: chr18-55322594-C-T.
Other names: c.2613G>A, p.Ser871= (NM_001374386.1); c.2763G>A, p.Ser921= (NM_005603.6).
Identifiers: ClinVar variation 888931 (VCV000888931.9), dbSNP rs758180192, ClinGen allele CA8974168.

ClinVar aggregate classification (germline): Conflicting classifications of pathogenicity. Review status: criteria provided, conflicting classifications (1 of 4 stars). 4 submissions from 4 submitters: Uncertain significance (1); Likely benign (3). Last evaluated 2026-04-14.

Conditions:
Familial intrahepatic cholestasis. Identifiers: Orphanet 284385, MedGen CN296401, MONDO:0017290.
ATP8B1-related disorder. Also called: ATP8B1-related condition; ATP8B1-related disorders.
Progressive familial intrahepatic cholestasis type 1. Also called: Byler's disease; BYLER DISEASE; Severe ATP8B1 Deficiency (Progressive Familial Intrahepatic Cholestasis Type 1 [PFIC1]). Identifiers: Orphanet 79306, MedGen C4551898, MONDO:0008892, OMIM 211600.

Allele frequency attached by ClinVar (database versions not stated): gnomAD exomes 0.00001; ExAC 0.00002; gnomAD 0.00003.
gnomAD v4.1: 28 of 1,614,186 alleles (0.0017%); highest among the groups gnomAD compares: Middle Eastern, 0.049%; no homozygotes.

Submissions (4):

Genomenon, Inc
Classification: Likely benign for Familial intrahepatic cholestasis. Last evaluated: 2026-04-14. Review status: criteria provided, single submitter. Criteria: Genomenon Sequence Variant Interpretation Standards - Updated. Collection method: curation. Allele origin: germline. Affected: no.
Comment: ATP8B1 c.2763G>A is a synonymous variant that retains Serine at residue 921. This variant has been reported in the published literature (PMID:24260417). It is absent or not present at a significant frequency in gnomAD. This synonymous variant is not predicted to impact splicing. In conclusion, we classify ATP8B1 p.Ser921= (c.2763G>A) as a likely benign variant.

PreventionGenetics, part of Exact Sciences
Classification: Likely benign for ATP8B1-related condition. Last evaluated: 2026-01-06. Review status: criteria provided, single submitter. Criteria: ACMG Guidelines, 2015. Collection method: clinical testing. Allele origin: germline.
Comment: This variant is classified as likely benign based on ACMG/AMP sequence variant interpretation guidelines (Richards et al. 2015 PMID: 25741868, with internal and published modifications).

Labcorp Genetics (formerly Invitae), Labcorp
Classification: Likely benign. Last evaluated: 2025-12-17. Review status: criteria provided, single submitter. Criteria: Invitae Variant Classification Sherloc (09022015). Collection method: clinical testing. Allele origin: germline.

Illumina Laboratory Services, Illumina
Classification: Uncertain significance for Progressive familial intrahepatic cholestasis type 1. Last evaluated: 2018-01-13. Review status: criteria provided, single submitter. Criteria: ICSL Variant Classification Criteria 13 December 2019. Collection method: clinical testing. Allele origin: germline.

Literature cited by the submitters: PubMed 24260417 (cited by Genomenon, Inc).